The following is an entry in ClinVar:

ClinVar aggregate classification (germline): Likely benign (1 of 4 stars; one submission).

Conditions:
Familial cancer of breast. Also called: hereditary breast carcinoma; Hereditary breast cancer; BREAST CANCER, FAMILIAL. Identifiers: Orphanet 227535, MedGen C0346153, MONDO:0016419, OMIM 114480. Disease mechanism: loss of function.

Submission:

Myriad Genetics, Inc.
Classification: Likely benign for Familial cancer of breast. Last evaluated: 2024-08-27. Review status: criteria provided, single submitter. Criteria: Myriad Autosomal Dominant, Autosomal Recessive and X-Linked Classification Criteria (2023). Collection method: clinical testing. Allele origin: unknown.
Comment: This variant is considered likely benign. This variant is intronic and is not expected to impact mRNA splicing.

NM_032043.3(BRIP1):c.1341-12A>C

Gene: BRIP1 (BRCA1 interacting DNA helicase 1; minus strand). Cytogenetic location: 17q23.2.
Variant type: single nucleotide variant.
Coding change: c.1341-12A>C on transcript NM_032043.3 (MANE Select); 12 bases into the intron before coding-DNA position 1341, A replaced by C.
Molecular consequence: intron variant.
Genome position (GRCh38, 1-based): chr17:61,793,741, T>G on the plus strand (A>C on the coding strand, the complement: BRIP1 is on the minus strand). VCF-style: chr17-61793741-T-G. GRCh37 (hg19) VCF-style: chr17-59871102-T-G.
Identifiers: ClinVar variation 3378693 (VCV003378693.1).